The following is an entry in ClinVar:

NM_144997.7(FLCN):c.1177-2A>G

Gene: FLCN (folliculin; minus strand). Cytogenetic location: 17p11.2.
Variant type: single nucleotide variant.
Coding change: c.1177-2A>G on transcript NM_144997.7 (MANE Select); the canonical splice acceptor site of the intron before coding-DNA position 1177, A replaced by G.
Molecular consequence: splice acceptor variant.
Genome position (GRCh38, 1-based): chr17:17,216,505, T>C on the plus strand (A>G on the coding strand, the complement: FLCN is on the minus strand). VCF-style: chr17-17216505-T-C. GRCh37 (hg19) VCF-style: chr17-17119819-T-C.
Other names: c.1177-2A>G (NM_001353231.2, NM_001353230.2, NM_144997.6); c.1231-2A>G (NM_001353229.2).
Identifiers: ClinVar variation 379220 (VCV000379220.8), dbSNP rs1057520528, ClinGen allele CA16607538.

ClinVar aggregate classification (germline): Pathogenic. Review status: criteria provided, multiple submitters, no conflicts (2 of 4 stars). 4 submissions from 4 submitters: Pathogenic (4). Last evaluated 2023-06-22.

Conditions:
Hereditary cancer-predisposing syndrome. Also called: Hereditary neoplastic syndrome; Tumor predisposition; Neoplastic Syndromes, Hereditary; Hereditary Cancer Syndrome. Identifiers: Orphanet 140162, MedGen C0027672, MeSH D009386, MONDO:0015356.
Birt-Hogg-Dube syndrome. Also called: Birt Hogg Dubé syndrome. Identifiers: Orphanet 122, MedGen C0346010, MONDO:0800444.

Submissions (4):

Labcorp Genetics (formerly Invitae), Labcorp
Classification: Pathogenic for Birt-Hogg-Dube syndrome. Last evaluated: 2023-06-22. Review status: criteria provided, single submitter. Criteria: Invitae Variant Classification Sherloc (09022015). Collection method: clinical testing. Allele origin: germline.
Comment: Disruption of this splice site has been observed in individual(s) with Birt-Hogg-Dubé syndrome (PMID: 17124507). For these reasons, this variant has been classified as Pathogenic. Algorithms developed to predict the effect of sequence changes on RNA splicing suggest that this variant may disrupt the consensus splice site. ClinVar contains an entry for this variant (Variation ID: 379220). This variant is also known as IVS10-2A>G. This variant is not present in population databases (gnomAD no frequency). This sequence change affects an acceptor splice site in intron 10 of the FLCN gene. It is expected to disrupt RNA splicing. Variants that disrupt the donor or acceptor splice site typically lead to a loss of protein function (PMID: 16199547), and loss-of-function variants in FLCN are known to be pathogenic (PMID: 15852235).

Quest Diagnostics Nichols Institute San Juan Capistrano
Classification: Pathogenic. Last evaluated: 2023-03-03. Review status: criteria provided, single submitter. Criteria: Quest Diagnostics criteria. Collection method: clinical testing. Allele origin: unknown.
Comment: This variant disrupts a canonical splice-acceptor site and interferes with normal FLCN mRNA splicing. It has not been reported in large, multi-ethnic general populations. In the published literature, the variant has been reported in individuals/families with BHD syndrome (PMIDs: 22146830 (2011), 17124507 (2007)). Based on the available information, this variant is classified as pathogenic.

Ambry Genetics
Classification: Pathogenic for Hereditary cancer-predisposing syndrome. Last evaluated: 2022-11-08. Review status: criteria provided, single submitter. Criteria: Ambry Variant Classification Scheme 2023. Collection method: clinical testing. Allele origin: germline.
Comment: The c.1177-2A>G intronic variant results from an A to G substitution two nucleotides upstream from coding exon 8 in the FLCN gene. This alteration has been identified in a family that meets clinical diagnosis of Birt-Hogg-Dube syndrome (van Steensel MA et al. J Invest Dermatol, 2007 Mar;127:588-93). This alteration has been observed in at least one individual with a personal and/or family history that is consistent with FLCN-related disease (Ambry internal data). This variant is considered to be rare based on population cohorts in the Genome Aggregation Database (gnomAD). In silico splice site analysis predicts that this alteration will weaken the native splice acceptor site and may result in the creation or strengthening of a novel splice acceptor site. Of note, this alteration is also designated as "IVS10-2A>G" in published literature. In addition to the clinical data presented in the literature, alterations that disrupt the canonical splice site are expected to cause aberrant splicing, resulting in an abnormal protein or a transcript that is subject to nonsense-mediated mRNA decay. As such, this alteration is classified as a disease-causing mutation.

GeneDx
Classification: Pathogenic. Last evaluated: 2016-12-28. Review status: criteria provided, single submitter. Criteria: GeneDx Variant Classification (06012015). Collection method: clinical testing. Allele origin: germline. Affected: yes.
Comment: The c.1177-2A>G splice site variant in the FLCN gene has been previously reported in at least two siblings with fibrofolliculomas (van Steensel et al., 2007). This variant destroys the canonical splice acceptor site in intron 10, and is expected to cause abnormal gene splicing. Based on currently available evidence, we consider c.1177-2A>G to be pathogenic.

Literature cited by the submitters: PubMed 17124507 (cited by 3 submitters); PubMed 16199547 (cited by Labcorp Genetics (formerly Invitae), Labcorp); PubMed 15852235 (cited by Labcorp Genetics (formerly Invitae), Labcorp); PubMed 22146830 (cited by Quest Diagnostics Nichols Institute San Juan Capistrano).